The following is an entry in ClinVar:

NM_001276270.2(MBD4):c.71A>G (p.Glu24Gly)

Gene: MBD4 (methyl-CpG binding domain 4, DNA glycosylase; minus strand). Cytogenetic location: 3q21.3.
Variant type: single nucleotide variant.
Coding change: c.71A>G on transcript NM_001276270.2 (MANE Select); coding-DNA position 71, A replaced by G.
Protein change: p.Glu24Gly; replaces glutamic acid 24 with glycine.
Molecular consequence: missense variant.
Genome position (GRCh38, 1-based): chr3:129,439,763, T>C on the plus strand (A>G on the coding strand, the complement: MBD4 is on the minus strand). VCF-style: chr3-129439763-T-C. GRCh37 (hg19) VCF-style: chr3-129158606-T-C.
Other names: c.71A>G, p.Glu24Gly (NM_001276271.2, NM_001276272.2, NM_001276273.2 and 1 more transcripts); short protein forms E24G.
Identifiers: ClinVar variation 3543791 (VCV003543791.3).

ClinVar aggregate classification (germline): Uncertain significance. Review status: criteria provided, multiple submitters, no conflicts (2 of 4 stars). 2 submissions from 2 submitters: Uncertain significance (2). Last evaluated 2024-12-01.

Conditions:
Inborn genetic diseases. Identifiers: MedGen C0950123, MeSH D030342.

Submissions (2):

Ambry Genetics
Classification: Uncertain significance for Inborn genetic diseases. Last evaluated: 2024-12-01. Review status: criteria provided, single submitter. Criteria: Ambry Variant Classification Scheme 2023. Collection method: clinical testing. Allele origin: germline.
Comment: The p.E24G variant (also known as c.71A>G), located in coding exon 1 of the MBD4 gene, results from an A to G substitution at nucleotide position 71. The glutamic acid at codon 24 is replaced by glycine, an amino acid with similar properties. This amino acid position is conserved. In addition, this alteration is predicted to be tolerated by in silico analysis. Based on the available evidence, the clinical significance of this variant remains unclear.

Labcorp Genetics (formerly Invitae), Labcorp
Classification: Uncertain significance. Last evaluated: 2024-07-26. Review status: criteria provided, single submitter. Criteria: Invitae Variant Classification Sherloc (09022015). Collection method: clinical testing. Allele origin: germline.
Comment: This sequence change replaces glutamic acid, which is acidic and polar, with glycine, which is neutral and non-polar, at codon 24 of the MBD4 protein (p.Glu24Gly). This variant is not present in population databases (gnomAD no frequency). This variant has not been reported in the literature in individuals affected with MBD4-related conditions. An algorithm developed to predict the effect of missense changes on protein structure and function (PolyPhen-2) suggests that this variant is likely to be tolerated. In summary, the available evidence is currently insufficient to determine the role of this variant in disease. Therefore, it has been classified as a Variant of Uncertain Significance.